The following is an entry in ClinVar:

NM_058246.4(DNAJB6):c.899-6C>T

Gene: DNAJB6 (DnaJ heat shock protein family (Hsp40) member B6; plus strand). Cytogenetic location: 7q36.3.
Variant type: single nucleotide variant.
Coding change: c.899-6C>T on transcript NM_058246.4 (MANE Select); 6 bases into the intron before coding-DNA position 899, C replaced by T.
Molecular consequence: intron variant.
Genome position (GRCh38, 1-based): chr7:157,416,010, C>T. VCF-style: chr7-157416010-C-T. GRCh37 (hg19) VCF-style: chr7-157208704-C-T.
Other names: c.554-6C>T (NM_001363676.1).
Identifiers: ClinVar variation 226613 (VCV000226613.22), dbSNP rs78337193, ClinGen allele CA4590672.

ClinVar aggregate classification (germline): Benign. Review status: criteria provided, multiple submitters, no conflicts (2 of 4 stars). 8 submissions from 8 submitters: Benign (6). 2 of the submissions do not count toward it. Last evaluated 2026-01-28.

Conditions:
Autosomal dominant limb-girdle muscular dystrophy type 1D (DNAJB6) (LGMDD1). Also called: MUSCULAR DYSTROPHY, LIMB-GIRDLE, TYPE 1D; MUSCULAR DYSTROPHY, AUTOSOMAL DOMINANT, WITH RIMMED VACUOLES; Autosomal dominant limb-girdle muscular dystrophy type 1D; Muscular dystrophy, limb-girdle, autosomal dominant 1. Identifiers: Orphanet 34516, MedGen C4721885, MONDO:0021018, OMIM 603511.

Allele frequency attached by ClinVar (database versions not stated): gnomAD exomes 0.00048 and 0.00146; ExAC 0.00178; gnomAD 0.00549 and 0.00601; ESP Exome Variant Server 0.00654; TOPMed 0.00658; 1000 Genomes Project 0.00759; 1000 Genomes Project 30x 0.00781.
gnomAD v4.1: 1,571 of 1,614,124 alleles (0.097%); highest among the groups gnomAD compares: African/African-American, 1.8%; 16 homozygotes.

Submissions (8):

Labcorp Genetics (formerly Invitae), Labcorp
Classification: Benign for Autosomal dominant limb-girdle muscular dystrophy type 1D (DNAJB6). Last evaluated: 2026-01-28. Review status: criteria provided, single submitter. Criteria: Invitae Variant Classification Sherloc (09022015). Collection method: clinical testing. Allele origin: germline.

Athena Diagnostics
Classification: Benign. Last evaluated: 2023-12-15. Review status: criteria provided, single submitter. Criteria: Athena Diagnostics Criteria. Collection method: clinical testing. Allele origin: unknown.

Illumina Laboratory Services, Illumina
Classification: Benign for Autosomal dominant limb-girdle muscular dystrophy type 1D (DNAJB6). Last evaluated: 2018-01-12. Review status: criteria provided, single submitter. Criteria: ICSL Variant Classification Criteria 13 December 2019. Collection method: clinical testing. Allele origin: germline.
Comment: This variant was observed in the ICSL laboratory as part of a predisposition screen in an ostensibly healthy population. It had not been previously curated by ICSL or reported in the Human Gene Mutation Database (HGMD: prior to June 1st, 2018), and was therefore a candidate for classification through an automated scoring system. Utilizing variant allele frequency, disease prevalence and penetrance estimates, and inheritance mode, an automated score was calculated to assess if this variant is too frequent to cause the disease. Based on the score and internal cut-off values, a variant classified as benign is not then subjected to further curation. The score for this variant resulted in a classification of benign for this disease.

GeneDx
Classification: Benign. Last evaluated: 2016-04-20. Review status: criteria provided, single submitter. Criteria: GeneDx Variant Classification (06012015). Collection method: clinical testing. Allele origin: germline. Affected: yes.
Comment: This variant is considered likely benign or benign based on one or more of the following criteria: it is a conservative change, it occurs at a poorly conserved position in the protein, it is predicted to be benign by multiple in silico algorithms, and/or has population frequency not consistent with disease.

Laboratory for Molecular Medicine, Mass General Brigham Personalized Medicine
Classification: Benign. Last evaluated: 2014-11-24. Review status: criteria provided, single submitter. Criteria: LMM Criteria. Collection method: clinical testing. Allele origin: germline. Observed: 1 variant allele.
Comment: 899-6C>T in intron 9 of DNAJB6: This variant is not expected to have clinical si gnificance because it has been identified in 1.9% (85/4406) of African American chromosomes from a broad population by the NHLBI Exome Sequencing Project (dbSNP rs78337193).

PreventionGenetics, part of Exact Sciences
Classification: Benign. Review status: criteria provided, single submitter. Criteria: ACMG Guidelines, 2015. Collection method: clinical testing. Allele origin: germline.

Clinical Genetics, Academic Medical Center
Classification: Benign. Review status: no assertion criteria provided. Collection method: clinical testing. Allele origin: germline. Affected: yes. Study: VKGL Data-share Consensus. Not counted in ClinVar's aggregate classification.

Laboratory of Diagnostic Genome Analysis, Leiden University Medical Center (LUMC)
Classification: Likely benign. Review status: no assertion criteria provided. Collection method: clinical testing. Allele origin: germline. Affected: yes. Study: VKGL Data-share Consensus. Not counted in ClinVar's aggregate classification.